The following is an entry in ClinVar:

NM_002529.4(NTRK1):c.1029C>T (p.His343=)

Gene: NTRK1 (neurotrophic receptor tyrosine kinase 1; plus strand). Cytogenetic location: 1q23.1.
Variant type: single nucleotide variant.
Coding change: c.1029C>T on transcript NM_002529.4 (MANE Select); coding-DNA position 1029, C replaced by T.
Protein change: p.His343=; no amino-acid change (histidine 343 retained).
Molecular consequence: synonymous variant.
Genome position (GRCh38, 1-based): chr1:156,873,811, C>T. VCF-style: chr1-156873811-C-T. GRCh37 (hg19) VCF-style: chr1-156843603-C-T.
Other names: c.1029C>T (NM_002529.3); c.939C>T, p.His313= (NM_001007792.1); c.1029C>T, p.His343= (NM_001012331.2).
Identifiers: ClinVar variation 706079 (VCV000706079.14), dbSNP rs772855825, ClinGen allele CA1169173.
Genomic context (GRCh38, chr1:156,873,811, plus strand): 5'-TGAGACCAGCTTCATCTTCACTGAGTTCCTGGAGCCGGCAGCCAATGAGACCGTGCGGCA[C>T]GGGTGTCTGCGCCTCAACCAGCCCACCCACGTCAACAACGGCAACTACACGCTGCTGGCT-3'
Protein context (NP_002520.2, residues 333-353): LEPAANETVR[His343=]GCLRLNQPTH

ClinVar aggregate classification (germline): Likely benign. Review status: criteria provided, multiple submitters, no conflicts (2 of 4 stars). 4 submissions from 4 submitters: Likely benign (2). 2 of the submissions do not count toward it. Last evaluated 2025-08-11.

Conditions:
NTRK1-related disorder. Also called: NTRK1-related condition.
Hereditary insensitivity to pain with anhidrosis (CIPA). Also called: FAMILIAL DYSAUTONOMIA, TYPE II; INSENSITIVITY TO PAIN, CONGENITAL, WITH ANHIDROSIS; NEUROPATHY, CONGENITAL SENSORY, WITH ANHIDROSIS; hereditary sensory and autonomic neuropathy type 4; NTRK1 Congenital Insensitivity to Pain with Anhidrosis; HSAN Type IV. Identifiers: Orphanet 642, MedGen C0020074, MONDO:0009746, OMIM 256800.

Allele frequency attached by ClinVar (database versions not stated): gnomAD 0.00003; TOPMed 0.00003; gnomAD exomes 0.00004 and 0.00005; ExAC 0.00005.
gnomAD v4.1: 81 of 1,612,694 alleles (0.005%); highest among the groups gnomAD compares: Non-Finnish European, 0.0064%; no homozygotes.

Submissions (4):

Labcorp Genetics (formerly Invitae), Labcorp
Classification: Likely benign for Hereditary insensitivity to pain with anhidrosis. Last evaluated: 2025-08-11. Review status: criteria provided, single submitter. Criteria: Invitae Variant Classification Sherloc (09022015). Collection method: clinical testing. Allele origin: germline.

Blueprint Genetics
Classification: Likely benign. Last evaluated: 2022-06-08. Review status: criteria provided, single submitter. Criteria: ACMG Guidelines, 2015. Collection method: clinical testing. Allele origin: germline.

PreventionGenetics, part of Exact Sciences
Classification: Likely benign for NTRK1-related condition. Last evaluated: 2022-05-13. Review status: no assertion criteria provided. Collection method: clinical testing. Allele origin: germline. Not counted in ClinVar's aggregate classification.
Comment: This variant is classified as likely benign based on ACMG/AMP sequence variant interpretation guidelines (Richards et al. 2015 PMID: 25741868, with internal and published modifications).

Natera, Inc.
Classification: Likely benign for Hereditary insensitivity to pain with anhidrosis. Last evaluated: 2020-09-16. Review status: no assertion criteria provided. Collection method: clinical testing. Allele origin: germline. Not counted in ClinVar's aggregate classification.